The following is an entry in ClinVar:

ClinVar aggregate classification (germline): other (0 of 4 stars; one submission).

Conditions:
Familial colorectal cancer. Identifiers: MedGen CN280943, MONDO:0023113. Disease mechanism: loss of function.

Submission:

Systems Biology Platform Zhejiang California International NanoSystems Institute
Classification: other for Familial colorectal cancer. Review status: no assertion criteria provided. Collection method: not provided. Allele origin: unknown.
ClinVar note: Converted during submission from cancer to other.

NM_000038.6(APC):c.646-85C>T

Gene: APC (APC regulator of WNT signaling pathway; plus strand). Cytogenetic location: 5q22.2.
Variant type: single nucleotide variant.
Coding change: c.646-85C>T on transcript NM_000038.6 (MANE Select); 85 bases into the intron before coding-DNA position 646, C replaced by T.
Molecular consequence: intron variant.
Genome position (GRCh38, 1-based): chr5:112,792,361, C>T. VCF-style: chr5-112792361-C-T. GRCh37 (hg19) VCF-style: chr5-112128058-C-T.
Other names: c.646-85C>T (NM_001354895.2, NM_001127510.3, NM_001354896.2 and 1 more transcripts); c.676-85C>T (NM_001354897.2, NM_001354902.2); c.676-8918C>T (NM_001127511.3); c.571-85C>T (NM_001354898.2, NM_001354904.2); c.-390-85C>T (NM_001354906.2); c.646-8918C>T (NM_001354899.2); c.469-85C>T (NM_001354900.2, NM_001354901.2, NM_001354905.2).
Identifiers: ClinVar variation 83004 (VCV000083004.2), dbSNP rs79526587, ClinGen allele CA012156.